The following is an entry in ClinVar:

NM_001128178.3(NPHP1):c.1141T>G (p.Trp381Gly)

Genes: NPHP1 (nephrocystin 1; minus strand), LOC126806306 (P300/CBP strongly-dependent group 1 enhancer GRCh37_chr2:110906815-110908014; plus strand). Cytogenetic location: 2q13.
Variant type: single nucleotide variant.
Coding change: c.1141T>G on transcript NM_001128178.3 (MANE Select); coding-DNA position 1141, T replaced by G.
Protein change: p.Trp381Gly; replaces tryptophan 381 with glycine.
Molecular consequence: missense variant.
Genome position (GRCh38, 1-based): chr2:110,150,199, A>C on the plus strand (T>G on the coding strand, the complement: NPHP1 is on the minus strand). VCF-style: chr2-110150199-A-C. GRCh37 (hg19) VCF-style: chr2-110907776-A-C.
Other names: c.1309T>G, p.Trp437Gly (NM_000272.5); c.952T>G, p.Trp318Gly (NM_001128179.3); c.1138T>G, p.Trp380Gly (NM_001374256.1); c.1141T>G, p.Trp381Gly (NM_001374257.1); c.1306T>G, p.Trp436Gly (NM_207181.4); c.1309T>G (NM_000272.3, NM_000272.4); short protein forms W437G, W381G, W436G, W318G, W380G.
Identifiers: ClinVar variation 291247 (VCV000291247.8), dbSNP rs755958462, ClinGen allele CA1827120.
Genomic context (GRCh38, chr2:110,150,199, plus strand): 5'-ACTTTGAAATTCACTCACTCCACTCATTCAGCAGATTACTTACCTGGGGAGAAAAGGTCC[A>C]TGTTTTGGGCTTTTTAGGTTGCCATGTGGCTCTGACTGTATGAATGTTGCTCAGAACCTG-3'
Protein context (NP_001121650.1, residues 371-391): ATWQPKKPKT[Trp381Gly]TFSPQVTRIL

ClinVar aggregate classification (germline): Conflicting classifications of pathogenicity. Review status: criteria provided, conflicting classifications (1 of 4 stars). 4 submissions from 4 submitters: Likely pathogenic (1); Uncertain significance (3). Last evaluated 2024-04-20.

Conditions:
Nephronophthisis 1 (NPHP1). Also called: Nephronophthisis familial juvenile. Identifiers: Orphanet 655, Orphanet 93592, MedGen C1855681, MONDO:0009728, OMIM 256100.
Joubert syndrome with renal defect. Also called: JOUBERT SYNDROME 4. Identifiers: Orphanet 220497, MedGen C1846790, MONDO:0012308, OMIM 609583.
Senior-Loken syndrome 1 (SLSN1). Also called: JUVENILE NEPHRONOPHTHISIS WITH LEBER AMAUROSIS. Identifiers: Orphanet 3156, MedGen C4551559, MONDO:0009962, OMIM 266900.
NPHP1-related disorder. Also called: NPHP1-related condition; NPHP1-related disorders.

Allele frequency attached by ClinVar (database versions not stated): ExAC 0.00001.

Submissions (4):

Fulgent Genetics
Classification: Uncertain significance for Nephronophthisis 1; Senior-Loken syndrome 1; Joubert syndrome with renal defect. Last evaluated: 2024-04-20. Review status: criteria provided, single submitter. Criteria: ACMG Guidelines, 2015. Collection method: clinical testing. Allele origin: germline.

Blueprint Genetics
Classification: Likely pathogenic for NPHP1-related disorders. Last evaluated: 2023-10-12. Review status: criteria provided, single submitter. Criteria: ACMG Guidelines, 2015. Collection method: clinical testing. Allele origin: germline. Affected: yes. Observed: 5 variant alleles.

PreventionGenetics, part of Exact Sciences
Classification: Uncertain significance for NPHP1-related condition. Last evaluated: 2022-09-02. Review status: criteria provided, single submitter. Criteria: ACMG Guidelines, 2015. Collection method: clinical testing. Allele origin: germline.
Comment: The NPHP1 c.1309T>G variant is predicted to result in the amino acid substitution p.Trp437Gly. To our knowledge, this variant has not been reported in the literature or in a large population database, indicating this variant is rare. At this time, the clinical significance of this variant is uncertain due to the absence of conclusive functional and genetic evidence.

Eurofins Ntd Llc (ga)
Classification: Uncertain significance. Last evaluated: 2016-09-15. Review status: criteria provided, single submitter. Criteria: EGL Classification Definitions 2015. Collection method: clinical testing. Allele origin: germline. Observed: 1 variant allele, 1 heterozygote.